The following is an entry in ClinVar:

NM_002206.3(ITGA7):c.2054T>C (p.Ile685Thr)

Genes: ITGA7 (integrin subunit alpha 7; minus strand), LOC126861535 (CDK7 strongly-dependent group 2 enhancer GRCh37_chr12:56087579-56088778; plus strand). Cytogenetic location: 12q13.2.
Variant type: single nucleotide variant.
Coding change: c.2054T>C on transcript NM_002206.3 (MANE Select); coding-DNA position 2054, T replaced by C.
Protein change: p.Ile685Thr; replaces isoleucine 685 with threonine.
Molecular consequence: missense variant.
Genome position (GRCh38, 1-based): chr12:55,694,920, A>G on the plus strand (T>C on the coding strand, the complement: ITGA7 is on the minus strand). VCF-style: chr12-55694920-A-G. GRCh37 (hg19) VCF-style: chr12-56088704-A-G.
Other names: c.2066T>C, p.Ile689Thr (NM_001144996.2); c.1775T>C, p.Ile592Thr (NM_001144997.2); c.1727T>C, p.Ile576Thr (NM_001367993.1); c.710T>C, p.Ile237Thr (NM_001367994.1); c.2036T>C, p.Ile679Thr (NM_001374465.1); c.2186T>C, p.Ile729Thr (NM_001410977.1); c.2048T>C, p.Ile683Thr (NM_001414029.1); c.1979T>C, p.Ile660Thr (NM_001414030.1); and 4 more; short protein forms I572T, I592T, I645T, I656T, I689T, I729T, I660T, I679T.
Identifiers: ClinVar variation 2118049 (VCV002118049.4), dbSNP rs2539740611, ClinGen allele CA385184495.
Genomic context (GRCh38, chr12:55,694,920, plus strand): 5'-CCATCAGCCTGGGGCTGGGCTGGGTCCGATGGCAGGTTGGTGACCATCAGCTCCAGGCCA[A>G]TGACTGGCTGCCCACTCAGTGCAAACAGGGCTGTTGTTCCATCCACATCCCTGGAGAGTC-3'
Protein context (NP_002197.2, residues 675-695): ALFALSGQPV[Ile685Thr]GLELMVTNLP

ClinVar aggregate classification (germline): Uncertain significance (1 of 4 stars; one submission).

Conditions:
Congenital muscular dystrophy due to integrin alpha-7 deficiency. Also called: MYOPATHY, CONGENITAL, DUE TO INTEGRIN ALPHA-7 DEFICIENCY; Congenital muscular dystrophy with integrin alpha-7 deficiency; Muscular dystrophy, congenital, due to ITGA7 deficiency. Identifiers: Orphanet 34520, MedGen C2750786, MONDO:0013177, OMIM 613204.

Allele frequency attached by ClinVar (database versions not stated): gnomAD exomes below 0.00001.

Submission:

Labcorp Genetics (formerly Invitae), Labcorp
Classification: Uncertain significance for Congenital muscular dystrophy due to integrin alpha-7 deficiency. Last evaluated: 2022-03-27. Review status: criteria provided, single submitter. Criteria: Invitae Variant Classification Sherloc (09022015). Collection method: clinical testing. Allele origin: germline.
Comment: This sequence change replaces isoleucine, which is neutral and non-polar, with threonine, which is neutral and polar, at codon 685 of the ITGA7 protein (p.Ile685Thr). This variant is not present in population databases (gnomAD no frequency). In summary, the available evidence is currently insufficient to determine the role of this variant in disease. Therefore, it has been classified as a Variant of Uncertain Significance. Algorithms developed to predict the effect of missense changes on protein structure and function are either unavailable or do not agree on the potential impact of this missense change (SIFT: "Deleterious"; PolyPhen-2: "Benign"; Align-GVGD: "Class C0"). This variant has not been reported in the literature in individuals affected with ITGA7-related conditions.